The following is an entry in ClinVar:

NM_006509.4(RELB):c.487A>G (p.Thr163Ala)

Gene: RELB (RELB proto-oncogene, NF-kB subunit; plus strand). Cytogenetic location: 19q13.32.
Variant type: single nucleotide variant.
Coding change: c.487A>G on transcript NM_006509.4 (MANE Select); coding-DNA position 487, A replaced by G.
Protein change: p.Thr163Ala; replaces threonine 163 with alanine.
Molecular consequence: missense variant.
Genome position (GRCh38, 1-based): chr19:45,012,259, A>G. VCF-style: chr19-45012259-A-G. GRCh37 (hg19) VCF-style: chr19-45515517-A-G.
Other names: c.478A>G, p.Thr160Ala (NM_001411087.1); short protein forms T160A, T163A.
Identifiers: ClinVar variation 2492381 (VCV002492381.5), dbSNP rs1182647370, ClinGen allele CA406322665.

ClinVar aggregate classification (germline): Uncertain significance. Review status: criteria provided, multiple submitters, no conflicts (2 of 4 stars). 2 submissions from 2 submitters: Uncertain significance (2). Last evaluated 2023-09-09.

Allele frequency attached by ClinVar (database versions not stated): gnomAD 0.00001; TOPMed 0.00001.

Submissions (2):

Labcorp Genetics (formerly Invitae), Labcorp
Classification: Uncertain significance. Last evaluated: 2023-09-09. Review status: criteria provided, single submitter. Criteria: Invitae Variant Classification Sherloc (09022015). Collection method: clinical testing. Allele origin: germline.
Comment: An algorithm developed to predict the effect of missense changes on protein structure and function (PolyPhen-2) suggests that this variant is likely to be tolerated. ClinVar contains an entry for this variant (Variation ID: 2492381). This variant has not been reported in the literature in individuals affected with RELB-related conditions. This variant is not present in population databases (gnomAD no frequency). This sequence change replaces threonine, which is neutral and polar, with alanine, which is neutral and non-polar, at codon 163 of the RELB protein (p.Thr163Ala). In summary, the available evidence is currently insufficient to determine the role of this variant in disease. Therefore, it has been classified as a Variant of Uncertain Significance.

Ambry Genetics
Classification: Uncertain significance. Last evaluated: 2023-03-01. Review status: criteria provided, single submitter. Criteria: Ambry Variant Classification Scheme 2023. Collection method: clinical testing. Allele origin: germline.